The following is an entry in ClinVar:

NM_001042492.3(NF1):c.7608del (p.Lys2536fs)

Gene: NF1 (neurofibromin 1; plus strand). Cytogenetic location: 17q11.2.
Variant type: Deletion.
Coding change: c.7608del on transcript NM_001042492.3 (MANE Select); coding-DNA position 7608, one base deleted (G; older notation c.7608delG).
Protein change: p.Lys2536fs; shifts the reading frame from lysine 2536.
Molecular consequence: frameshift variant.
Genome position (GRCh38, 1-based): chr17:31,352,407, G deleted. VCF-style (leftmost placement, unchanged base first): chr17-31352406-AG-A. GRCh37 (hg19) VCF-style: chr17-29679424-AG-A.
Other names: c.7545delG, p.Lys2515Asnfs (NM_000267.4); short protein forms K2536fs, K2515fs.
Identifiers: ClinVar variation 858274 (VCV000858274.7), dbSNP rs2070172706, ClinGen allele CA916080678.

ClinVar aggregate classification (germline): Pathogenic. Review status: criteria provided, multiple submitters, no conflicts (2 of 4 stars). 2 submissions from 2 submitters: Pathogenic (2). Last evaluated 2025-05-05.

Conditions:
Neurofibromatosis, type 1 (NF1). Also called: Neurofibromatosis, type I; VON RECKLINGHAUSEN DISEASE; Peripheral type neurofibromatosis; NEUROFIBROMATOSIS, TYPE I, SOMATIC. Identifiers: Orphanet 636, MedGen C0027831, MONDO:0018975, OMIM 162200. Disease mechanism: loss of function.
Hereditary cancer-predisposing syndrome. Also called: Hereditary neoplastic syndrome; Tumor predisposition; Neoplastic Syndromes, Hereditary; Hereditary Cancer Syndrome. Identifiers: Orphanet 140162, MedGen C0027672, MeSH D009386, MONDO:0015356.

Submissions (2):

Unidad de Genética Molecular HGU Elche, Hospital General Universitario de Elche
Classification: Pathogenic for Hereditary cancer-predisposing syndrome. Last evaluated: 2025-05-05. Review status: criteria provided, single submitter. Criteria: ACMG Guidelines, 2015. Collection method: clinical testing. Allele origin: germline. Affected: yes.
Comment: PVS1 very strong; PP5 moderate; PM2 supporting

Labcorp Genetics (formerly Invitae), Labcorp
Classification: Pathogenic for Neurofibromatosis, type 1. Last evaluated: 2021-09-24. Review status: criteria provided, single submitter. Criteria: Invitae Variant Classification Sherloc (09022015). Collection method: clinical testing. Allele origin: germline.
Comment: For these reasons, this variant has been classified as Pathogenic. ClinVar contains an entry for this variant (Variation ID: 858274). This variant has not been reported in the literature in individuals affected with NF1-related conditions. This variant is not present in population databases (ExAC no frequency). This sequence change creates a premature translational stop signal (p.Lys2515Asnfs*12) in the NF1 gene. It is expected to result in an absent or disrupted protein product. Loss-of-function variants in NF1 are known to be pathogenic (PMID: 10712197, 23913538).

Literature cited by the submitters: PubMed 10712197 (cited by Labcorp Genetics (formerly Invitae), Labcorp); PubMed 23913538 (cited by Labcorp Genetics (formerly Invitae), Labcorp).